The following is an entry in ClinVar:

ClinVar aggregate classification (germline): Uncertain significance (1 of 4 stars; one submission).

Conditions:
Hereditary cancer-predisposing syndrome. Also called: Tumor predisposition; Hereditary Cancer Syndrome; Neoplastic Syndromes, Hereditary; Hereditary neoplastic syndrome. Identifiers: Orphanet 140162, MedGen C0027672, MeSH D009386, MONDO:0015356.

Submission:

Color Diagnostics, LLC DBA Color Health
Classification: Uncertain significance for Hereditary cancer-predisposing syndrome. Last evaluated: 2025-04-20. Review status: criteria provided, single submitter. Criteria: ACMG Guidelines, 2015. Collection method: clinical testing. Allele origin: germline.
Comment: This missense variant replaces aspartic acid with histidine at codon 53 of the STK11 protein. Computational prediction suggests that this variant may have deleterious impact on protein structure and function. To our knowledge, functional studies have not been reported for this variant. This variant has not been reported in individuals affected with STK11-related disorders in the literature. This variant has not been identified in the general population by the Genome Aggregation Database (gnomAD). The available evidence is insufficient to determine the role of this variant in disease conclusively. Therefore, this variant is classified as a Variant of Uncertain Significance.

NM_000455.5(STK11):c.157G>C (p.Asp53His)

Gene: STK11 (serine/threonine kinase 11; plus strand). Cytogenetic location: 19p13.3.
Variant type: single nucleotide variant.
Coding change: c.157G>C on transcript NM_000455.5 (MANE Select); coding-DNA position 157, G replaced by C.
Protein change: p.Asp53His; replaces aspartic acid 53 with histidine.
Molecular consequence: missense variant. On other transcripts: non-coding transcript variant (1).
Genome position (GRCh38, 1-based): chr19:1,207,070, G>C. VCF-style: chr19-1207070-G-C. GRCh37 (hg19) VCF-style: chr19-1207069-G-C.
Other names: c.157G>C, p.Asp53His (NM_001407255.1); short protein forms D53H.
Identifiers: ClinVar variation 4756634 (VCV004756634.1).